The following is an entry in ClinVar:

NC_000003.11:g.(?_48501166)_(48501335_?)dup

Gene: ATRIP (ATR interacting protein; plus strand). Cytogenetic location: 3p21.31.
Variant type: Duplication.
Identifiers: ClinVar variation 3247057 (VCV003247057.1).

ClinVar aggregate classification (germline): Uncertain significance (1 of 4 stars; one submission).

Submission:

Labcorp Genetics (formerly Invitae), Labcorp
Classification: Uncertain significance. Last evaluated: 2024-01-15. Review status: criteria provided, single submitter. Criteria: Invitae Variant Classification Sherloc (09022015). Collection method: clinical testing. Allele origin: unknown.
Comment: This variant results in a copy number gain of the genomic region encompassing exon(s) 7 of the ATRIP gene. While the exact position of this variant cannot be determined from the data, sub-genic copy number gains are generally in tandem (PMID: 25640679). This variant is predicted to be out-of-frame, and may result in an absent or disrupted protein product. However, the current clinical and genetic evidence is not sufficient to establish whether loss-of-function variants in ATRIP cause disease. This variant has not been reported in the literature in individuals affected with ATRIP-related conditions. Experimental studies and prediction algorithms are not available or were not evaluated, and the functional significance of this variant is currently unknown. In summary, the available evidence is currently insufficient to determine the role of this variant in disease. Therefore, it has been classified as a Variant of Uncertain Significance.

Literature cited by the submitters: PubMed 25640679.